The following is an entry in ClinVar:

NM_001437.3(ESR2):c.754G>A (p.Ala252Thr)

Gene: ESR2 (estrogen receptor 2; minus strand). Cytogenetic location: 14q23.2.
Variant type: single nucleotide variant.
Coding change: c.754G>A on transcript NM_001437.3 (MANE Select); coding-DNA position 754, G replaced by A.
Protein change: p.Ala252Thr; replaces alanine 252 with threonine.
Molecular consequence: missense variant. On other transcripts: non-coding transcript variant (2).
Genome position (GRCh38, 1-based): chr14:64,260,647, C>T on the plus strand (G>A on the coding strand, the complement: ESR2 is on the minus strand). VCF-style: chr14-64260647-C-T. GRCh37 (hg19) VCF-style: chr14-64727365-C-T.
Other names: c.754G>A, p.Ala252Thr (NM_001040275.1, NM_001214902.1, NM_001271876.1 and 3 more transcripts); short protein forms A252T.
Identifiers: ClinVar variation 3628795 (VCV003628795.2).

ClinVar aggregate classification (germline): Uncertain significance (1 of 4 stars; one submission).

gnomAD v4.1: 40 of 1,607,790 alleles (0.0025%); highest among the groups gnomAD compares: Admixed American, 0.037%; no homozygotes.

Submission:

Labcorp Genetics (formerly Invitae), Labcorp
Classification: Uncertain significance. Last evaluated: 2024-08-13. Review status: criteria provided, single submitter. Criteria: Invitae Variant Classification Sherloc (09022015). Collection method: clinical testing. Allele origin: germline.
Comment: This sequence change replaces alanine, which is neutral and non-polar, with threonine, which is neutral and polar, at codon 252 of the ESR2 protein (p.Ala252Thr). This variant is present in population databases (rs543025691, gnomAD 0.02%). This variant has not been reported in the literature in individuals affected with ESR2-related conditions. Advanced modeling of protein sequence and biophysical properties (such as structural, functional, and spatial information, amino acid conservation, physicochemical variation, residue mobility, and thermodynamic stability) performed at Invitae indicates that this missense variant is not expected to disrupt ESR2 protein function with a negative predictive value of 80%. In summary, the available evidence is currently insufficient to determine the role of this variant in disease. Therefore, it has been classified as a Variant of Uncertain Significance.